The following is an entry in ClinVar:

ClinVar aggregate classification (germline): Uncertain significance (1 of 4 stars; one submission).

Allele frequency attached by ClinVar (database versions not stated): gnomAD exomes below 0.00001.

Submission:

Ambry Genetics
Classification: Uncertain significance. Last evaluated: 2021-08-08. Review status: criteria provided, single submitter. Criteria: Ambry Variant Classification Scheme 2023. Collection method: clinical testing. Allele origin: germline.
Comment: The p.Q57P variant (also known as c.170A>C), located in coding exon 1 of the TERF2IP gene, results from an A to C substitution at nucleotide position 170. The glutamine at codon 57 is replaced by proline, an amino acid with similar properties. This amino acid position is conserved. In addition, the in silico prediction for this alteration is inconclusive. Since supporting evidence is limited at this time, the clinical significance of this alteration remains unclear.

NM_018975.4(TERF2IP):c.170A>C (p.Gln57Pro)

Gene: TERF2IP (TERF2 interacting protein; plus strand). Cytogenetic location: 16q23.1.
Variant type: single nucleotide variant.
Coding change: c.170A>C on transcript NM_018975.4 (MANE Select); coding-DNA position 170, A replaced by C.
Protein change: p.Gln57Pro; replaces glutamine 57 with proline.
Molecular consequence: missense variant. On other transcripts: non-coding transcript variant (1).
Genome position (GRCh38, 1-based): chr16:75,648,052, A>C. VCF-style: chr16-75648052-A-C. GRCh37 (hg19) VCF-style: chr16-75681950-A-C.
Other names: short protein forms Q57P.
Identifiers: ClinVar variation 1778513 (VCV001778513.2), dbSNP rs2507072794, ClinGen allele CA396817364.
Genomic context (GRCh38, chr16:75,648,052, plus strand): 5'-CGGCCAAGCGTCGGCTGTCGACGCTCATCCTGCACGGCGGCGGCACCGTGTGCCGAGTGC[A>C]GGAGCCCGGGGCCGTGCTGCTGGCCCAGCCCGGGGAGGCGCTGGCCGAGGCCTCGGGTGA-3'
Protein context (NP_061848.2, residues 47-67): LHGGGTVCRV[Gln57Pro]EPGAVLLAQP